The following is an entry in ClinVar:

NM_001206927.2(DNAH8):c.12525+3_12525+4delinsTA

Gene: DNAH8 (dynein axonemal heavy chain 8; plus strand). Cytogenetic location: 6p21.2.
Variant type: Indel.
Coding change: c.12525+3_12525+4delinsTA on transcript NM_001206927.2 (MANE Select); bases 3 to 4 of the intron after coding-DNA position 12525, AT replaced by TA.
Molecular consequence: intron variant.
Genome position (GRCh38, 1-based): chr6:38,971,668-38,971,669, AT replaced by TA. VCF-style: chr6-38971668-AT-TA. GRCh37 (hg19) VCF-style: chr6-38939444-AT-TA.
Other names: c.11874+3_11874+4delinsTA (NM_001371.4).
Identifiers: ClinVar variation 2061652 (VCV002061652.4), dbSNP rs2533838505, ClinGen allele CA2580074475.
Genomic context (GRCh38, chr6:38,971,668, plus strand): 5'-AATGGGGCAAGGACAAGAAGTACATGCTCGAAAGCTGATTCAGATGTCAATGCAGCAGGT[AT>TA]GTGACAAGAGACTGCTCCTGCTGCAACATTATTGCTAGAAACCCCACAATCATGGATGTT-3'

ClinVar aggregate classification (germline): Uncertain significance (1 of 4 stars; one submission).

Conditions:
Primary ciliary dyskinesia. Also called: Ciliary dyskinesia. Identifiers: Orphanet 244, MedGen C0008780, MONDO:0016575, HP:0012265.

Submission:

Labcorp Genetics (formerly Invitae), Labcorp
Classification: Uncertain significance for Primary ciliary dyskinesia. Last evaluated: 2022-08-05. Review status: criteria provided, single submitter. Criteria: Invitae Variant Classification Sherloc (09022015). Collection method: clinical testing. Allele origin: germline.
Comment: Information on the frequency of this variant in the gnomAD database is not available, as this variant may be reported differently in the database. This variant has not been reported in the literature in individuals affected with DNAH8-related conditions. Variants that disrupt the consensus splice site are a relatively common cause of aberrant splicing (PMID: 17576681, 9536098). Experimental studies and prediction algorithms are not available or were not evaluated, and the effect of this variant on mRNA splicing is currently unknown. In summary, the available evidence is currently insufficient to determine the role of this variant in disease. Therefore, it has been classified as a Variant of Uncertain Significance. This sequence change falls in intron 83 of the DNAH8 gene. It does not directly change the encoded amino acid sequence of the DNAH8 protein. It affects a nucleotide within the consensus splice site.

Literature cited by the submitters: PubMed 17576681; PubMed 9536098.